The following is an entry in ClinVar:

NM_031935.3(HMCN1):c.7347G>T (p.Met2449Ile)

Gene: HMCN1 (hemicentin 1; plus strand). Cytogenetic location: 1q31.1.
Variant type: single nucleotide variant.
Coding change: c.7347G>T on transcript NM_031935.3 (MANE Select); coding-DNA position 7347, G replaced by T.
Protein change: p.Met2449Ile; replaces methionine 2449 with isoleucine.
Molecular consequence: missense variant.
Genome position (GRCh38, 1-based): chr1:186,061,885, G>T. VCF-style: chr1-186061885-G-T. GRCh37 (hg19) VCF-style: chr1-186031017-G-T.
Other names: short protein forms M2449I.
Identifiers: ClinVar variation 2413735 (VCV002413735.6), dbSNP rs373976233, ClinGen allele CA1292810.
Genomic context (GRCh38, chr1:186,061,885, plus strand): 5'-CTTAAAAAGATGGTTTGCTTCTGCAGGAGGCAGGATGCTACGGCTGATGCAGACCACAAT[G>T]GAAGATGCTGGCCAATATACTTGCGTTGTAAGGAATGCAGCTGGTGAAGAAAGAAAAATC-3'
Protein context (NP_114141.2, residues 2439-2459): GRMLRLMQTT[Met2449Ile]EDAGQYTCVV

ClinVar aggregate classification (germline): Uncertain significance (1 of 4 stars; one submission).

Allele frequency attached by ClinVar (database versions not stated): ExAC 0.00001; gnomAD 0.00001; gnomAD exomes 0.00002; ESP Exome Variant Server 0.00008.

Submission:

Labcorp Genetics (formerly Invitae), Labcorp
Classification: Uncertain significance. Last evaluated: 2024-01-31. Review status: criteria provided, single submitter. Criteria: Invitae Variant Classification Sherloc (09022015). Collection method: clinical testing. Allele origin: germline.
Comment: This sequence change replaces methionine, which is neutral and non-polar, with isoleucine, which is neutral and non-polar, at codon 2449 of the HMCN1 protein (p.Met2449Ile). The frequency data for this variant in the population databases is considered unreliable, as metrics indicate poor data quality at this position in the gnomAD database. This variant has not been reported in the literature in individuals affected with HMCN1-related conditions. ClinVar contains an entry for this variant (Variation ID: 2413735). Algorithms developed to predict the effect of missense changes on protein structure and function output the following: SIFT: "Not Available"; PolyPhen-2: "Benign"; Align-GVGD: "Not Available". The isoleucine amino acid residue is found in multiple mammalian species, which suggests that this missense change does not adversely affect protein function. In summary, the available evidence is currently insufficient to determine the role of this variant in disease. Therefore, it has been classified as a Variant of Uncertain Significance.